The following is an entry in ClinVar:

NM_001276270.2(MBD4):c.1394-4C>T

Gene: MBD4 (methyl-CpG binding domain 4, DNA glycosylase; minus strand). Cytogenetic location: 3q21.3.
Variant type: single nucleotide variant.
Coding change: c.1394-4C>T on transcript NM_001276270.2 (MANE Select); 4 bases into the intron before coding-DNA position 1394, C replaced by T.
Molecular consequence: intron variant.
Genome position (GRCh38, 1-based): chr3:129,433,251, G>A on the plus strand (C>T on the coding strand, the complement: MBD4 is on the minus strand). VCF-style: chr3-129433251-G-A. GRCh37 (hg19) VCF-style: chr3-129152094-G-A.
Other names: c.458-4C>T (NM_001276273.2); c.1412-4C>T (NM_001276272.2, NM_003925.3, NM_001276271.2).
Identifiers: ClinVar variation 3697771 (VCV003697771.4).

ClinVar aggregate classification (germline): Likely benign. Review status: criteria provided, multiple submitters, no conflicts (2 of 4 stars). 3 submissions from 3 submitters: Likely benign (3). Last evaluated 2026-06-09.

Conditions:
Tumor predisposition syndrome 2 (TPDS2). Also called: MBD4-Related Tumor Predisposition Syndrome; MBD4-associated neoplasia syndrome (MANS); MBD4-ASSOCIATED NEOPLASIA SYNDROME. Identifiers: Orphanet 661526, MedGen C5774186, MONDO:0859267, OMIM 619975.
Inborn genetic diseases. Identifiers: MedGen C0950123, MeSH D030342.

gnomAD v4.1: 1 of 1,613,984 alleles (0.000062%); highest among the groups gnomAD compares: Non-Finnish European, 0.000085%; no homozygotes.

Submissions (3):

Myriad Genetics, Inc.
Classification: Likely benign for Tumor predisposition syndrome 2. Last evaluated: 2026-06-09. Review status: criteria provided, single submitter. Criteria: Myriad Autosomal Dominant, Autosomal Recessive and X-Linked Classification Criteria (2023). Collection method: clinical testing. Allele origin: unknown.
Comment: This variant is considered likely benign. This variant is intronic and is not expected to impact mRNA splicing.

Labcorp Genetics (formerly Invitae), Labcorp
Classification: Likely benign. Last evaluated: 2025-09-23. Review status: criteria provided, single submitter. Criteria: Invitae Variant Classification Sherloc (09022015). Collection method: clinical testing. Allele origin: germline.

Ambry Genetics
Classification: Likely benign for Inborn genetic diseases. Last evaluated: 2025-05-03. Review status: criteria provided, single submitter. Criteria: Ambry Variant Classification Scheme 2023. Collection method: clinical testing. Allele origin: germline.